The following is an entry in ClinVar:

ClinVar aggregate classification (germline): Conflicting classifications of pathogenicity. Review status: criteria provided, conflicting classifications (1 of 4 stars). 10 submissions from 10 submitters: Uncertain significance (9); Benign (1). Last evaluated 2025-12-22.

Conditions:
Lynch syndrome 5 (LYNCH5). Also called: Colorectal cancer, hereditary nonpolyposis, type 5; Hereditary non-polyposis colorectal cancer, type 5. Identifiers: Orphanet 144, MedGen C1833477, MONDO:0013710, OMIM 614350. Disease mechanism: loss of function.
Mismatch repair cancer syndrome 3. Identifiers: MedGen C5436807, MONDO:0030841, OMIM 619097.
Endometrial carcinoma. Also called: Endometrial carcinoma, somatic. Identifiers: MedGen C0476089, MONDO:0002447, OMIM 608089, HP:0012114.
Hereditary cancer-predisposing syndrome. Also called: Tumor predisposition; Hereditary Cancer Syndrome; Neoplastic Syndromes, Hereditary; Hereditary neoplastic syndrome. Identifiers: Orphanet 140162, MedGen C0027672, MeSH D009386, MONDO:0015356.
Lynch syndrome. Identifiers: Orphanet 144, MedGen C4552100, MONDO:0005835. Disease mechanism: loss of function.
Hereditary nonpolyposis colorectal neoplasms. Identifiers: MedGen C0009405, MeSH D003123.

Allele frequency attached by ClinVar (database versions not stated): TOPMed 0.00002.

Submissions (10):

Labcorp Genetics (formerly Invitae), Labcorp
Classification: Benign for Hereditary nonpolyposis colorectal neoplasms. Last evaluated: 2025-12-22. Review status: criteria provided, single submitter. Criteria: Invitae Variant Classification Sherloc (09022015). Collection method: clinical testing. Allele origin: germline.

Ambry Genetics
Classification: Uncertain significance for Hereditary cancer-predisposing syndrome. Last evaluated: 2025-05-29. Review status: criteria provided, single submitter. Criteria: Ambry Variant Classification Scheme 2023. Collection method: clinical testing. Allele origin: germline.
Comment: The p.R911Q variant (also known as c.2732G>A), located in coding exon 4 of the MSH6 gene, results from a G to A substitution at nucleotide position 2732. The arginine at codon 911 is replaced by glutamine, an amino acid with highly similar properties. This alteration has been identified in 2/369 Swedish Lynch syndrome families (Lagerstedt-Robinson K et al. Oncol. Rep., 2016 Nov;36:2823-2835). This amino acid position is highly conserved in available vertebrate species. In addition, this alteration is predicted to be deleterious by in silico analysis. Based on the available evidence, the clinical significance of this variant remains unclear.

Color Diagnostics, LLC DBA Color Health
Classification: Uncertain significance for Hereditary cancer-predisposing syndrome. Last evaluated: 2025-02-18. Review status: criteria provided, single submitter. Criteria: ACMG Guidelines, 2015. Collection method: clinical testing. Allele origin: germline.
Comment: This missense variant replaces arginine with glutamine at codon 911 of the MSH6 protein. Computational prediction is inconclusive regarding the impact of this variant on protein structure and function (internally defined REVEL score threshold 0.5 < inconclusive < 0.7, PMID: 27666373). To our knowledge, functional studies have not been reported for this variant. This variant has been reported in two individuals suspected of Lynch syndrome (PMID: 27601186). This variant has been identified in 33/1614026 chromosomes in the general population by the Genome Aggregation Database (gnomAD). The available evidence is insufficient to determine the role of this variant in disease conclusively. Therefore, this variant is classified as a Variant of Uncertain Significance.

Quest Diagnostics Nichols Institute San Juan Capistrano
Classification: Uncertain significance. Last evaluated: 2024-02-01. Review status: criteria provided, single submitter. Criteria: Quest Diagnostics criteria. Collection method: clinical testing. Allele origin: unknown.
Comment: The MSH6 c.2732G>A (p.Arg911Gln) variant has been reported in the published literature in individuals with pancreatic ductal adenocarcinoma (PMID: 35180847 (2022)) and Lynch syndrome (PMID: 27601186 (2016)). The frequency of this variant in the general population, 0.000023 (6/250878 chromosomes (Genome Aggregation Database)), is uninformative in the assessment of its pathogenicity. Analysis of this variant using bioinformatics tools for the prediction of the effect of amino acid changes on protein structure and function yielded conflicting predictions that this variant is benign or damaging. Based on the available information, we are unable to determine the clinical significance of this variant.

Fulgent Genetics
Classification: Uncertain significance for Endometrial carcinoma; Lynch syndrome 5; Mismatch repair cancer syndrome 3. Last evaluated: 2024-01-26. Review status: criteria provided, single submitter. Criteria: ACMG Guidelines, 2015. Collection method: clinical testing. Allele origin: germline.

GeneDx
Classification: Uncertain significance. Last evaluated: 2023-12-27. Review status: criteria provided, single submitter. Criteria: GeneDx Variant Classification Process June 2021. Collection method: clinical testing. Allele origin: germline. Affected: yes.
Comment: In silico analysis supports that this missense variant does not alter protein structure/function; This variant is associated with the following publications: (PMID: 27601186, 35180847, 35449176, 36243179, 17531815, 21120944)

All of Us Research Program, National Institutes of Health
Classification: Uncertain significance for Lynch syndrome. Last evaluated: 2023-12-01. Review status: criteria provided, single submitter. Criteria: ACMG Guidelines, 2015. Collection method: clinical testing. Allele origin: germline. Inheritance: Autosomal dominant inheritance. Observed: 4 variant alleles, 4 heterozygotes.
Comment: This missense variant replaces arginine with glutamine at codon 911 of the MSH6 protein. Computational prediction is inconclusive regarding the impact of this variant on protein structure and function (internally defined REVEL score threshold 0.5 < inconclusive < 0.7, PMID: 27666373). Splice site prediction tools suggest that this variant may not impact RNA splicing. To our knowledge, functional studies have not been performed for this variant. This variant has been reported in two individuals with suspected hereditary colorectal cancer (PMID: 27601186). This variant has been identified in 6/250878 chromosomes in the general population by the Genome Aggregation Database (gnomAD). The available evidence is insufficient to determine the role of this variant in disease conclusively. Therefore, this variant is classified as a Variant of Uncertain Significance.

This study involves interpretation of variants in research participants for the purpose of population health screening. Participant phenotype was not available at the time of variant classification. Additional details can be found in publication PMID: 35346344, PMCID: PMC8962531

Baylor Genetics
Classification: Uncertain significance for Endometrial carcinoma. Last evaluated: 2023-10-09. Review status: criteria provided, single submitter. Criteria: ACMG Guidelines, 2015. Collection method: clinical testing. Allele origin: unknown.

Blueprint Genetics
Classification: Uncertain significance. Last evaluated: 2022-01-07. Review status: criteria provided, single submitter. Criteria: ACMG Guidelines, 2015. Collection method: clinical testing. Allele origin: germline.

Mendelics
Classification: Uncertain significance for Lynch syndrome. Last evaluated: 2018-07-02. Review status: criteria provided, single submitter. Criteria: Mendelics Assertion Criteria 2017. Collection method: clinical testing. Allele origin: unknown.

Literature cited by the submitters: PubMed 27601186 (cited by 4 submitters); PubMed 33729574 (cited by Quest Diagnostics Nichols Institute San Juan Capistrano); PubMed 35180847 (cited by Quest Diagnostics Nichols Institute San Juan Capistrano).

NM_000179.3(MSH6):c.2732G>A (p.Arg911Gln)

Gene: MSH6 (mutS homolog 6; plus strand). Cytogenetic location: 2p16.3.
Variant type: single nucleotide variant.
Coding change: c.2732G>A on transcript NM_000179.3 (MANE Select); coding-DNA position 2732, G replaced by A.
Protein change: p.Arg911Gln; replaces arginine 911 with glutamine.
Molecular consequence: missense variant.
Genome position (GRCh38, 1-based): chr2:47,800,715, G>A. VCF-style: chr2-47800715-G-A. GRCh37 (hg19) VCF-style: chr2-48027854-G-A.
Other names: c.2342G>A, p.Arg781Gln (NM_001281492.2); c.1826G>A, p.Arg609Gln (NM_001281493.2, NM_001281494.2); short protein forms R911Q, R781Q, R609Q.
Identifiers: ClinVar variation 455216 (VCV000455216.31), dbSNP rs761622304, ClinGen allele CA069556.